The following is an entry in ClinVar:

NM_004991.4(MECOM):c.1373A>C (p.Asn458Thr)

Gene: MECOM (MDS1 and EVI1 complex locus; minus strand). Cytogenetic location: 3q26.2.
Variant type: single nucleotide variant.
Coding change: c.1373A>C on transcript NM_004991.4 (MANE Select); coding-DNA position 1373, A replaced by C.
Protein change: p.Asn458Thr; replaces asparagine 458 with threonine.
Molecular consequence: missense variant. On other transcripts: intron variant (2).
Genome position (GRCh38, 1-based): chr3:169,116,499, T>G on the plus strand (A>C on the coding strand, the complement: MECOM is on the minus strand). VCF-style: chr3-169116499-T-G. GRCh37 (hg19) VCF-style: chr3-168834287-T-G.
Other names: c.1373A>C (NM_004991.3); c.1004A>C, p.Asn335Thr (NM_001105077.4); c.809A>C, p.Asn270Thr (NM_001105078.4, NM_001164000.2, NM_001205194.2 and 4 more transcripts); c.812A>C, p.Asn271Thr (NM_001163999.2, NM_001366467.2, NM_001366468.2 and 1 more transcripts); c.1373A>C, p.Asn458Thr (NM_001366466.2); c.1133-732A>C (NM_001366473.2); c.569-732A>C (NM_001366474.2); short protein forms N270T, N335T, N458T, N271T.
Identifiers: ClinVar variation 1977387 (VCV001977387.7), dbSNP rs1398771979, ClinGen allele CA355062679.

ClinVar aggregate classification (germline): Uncertain significance. Review status: criteria provided, multiple submitters, no conflicts (2 of 4 stars). 2 submissions from 2 submitters: Uncertain significance (2). Last evaluated 2025-10-23.

Conditions:
Inborn genetic diseases. Identifiers: MedGen C0950123, MeSH D030342.

Allele frequency attached by ClinVar (database versions not stated): TOPMed below 0.00001; gnomAD 0.00003.
gnomAD v4.1: 6 of 1,614,078 alleles (0.00037%); highest among the groups gnomAD compares: African/African-American, 0.0067%; no homozygotes.

Submissions (2):

Ambry Genetics
Classification: Uncertain significance for Inborn genetic diseases. Last evaluated: 2025-10-23. Review status: criteria provided, single submitter. Criteria: Ambry Variant Classification Scheme 2023. Collection method: clinical testing. Allele origin: germline.

Labcorp Genetics (formerly Invitae), Labcorp
Classification: Uncertain significance. Last evaluated: 2022-07-23. Review status: criteria provided, single submitter. Criteria: Invitae Variant Classification Sherloc (09022015). Collection method: clinical testing. Allele origin: germline.
Comment: This sequence change replaces asparagine, which is neutral and polar, with threonine, which is neutral and polar, at codon 270 of the MECOM protein (p.Asn270Thr). This variant is present in population databases (no rsID available, gnomAD 0.03%). Algorithms developed to predict the effect of missense changes on protein structure and function (SIFT, PolyPhen-2, Align-GVGD) all suggest that this variant is likely to be tolerated. In summary, the available evidence is currently insufficient to determine the role of this variant in disease. Therefore, it has been classified as a Variant of Uncertain Significance. This variant has not been reported in the literature in individuals affected with MECOM-related conditions.